The following is an entry in ClinVar:

NM_000368.5(TSC1):c.2278_2291del (p.Arg760fs)

Gene: TSC1 (TSC complex subunit 1; minus strand). Cytogenetic location: 9q34.13.
Variant type: Deletion.
Coding change: c.2278_2291del on transcript NM_000368.5 (MANE Select); coding-DNA positions 2278 to 2291, 14 bases deleted (AGATACAATCAGCT).
Protein change: p.Arg760fs; shifts the reading frame from arginine 760.
Molecular consequence: frameshift variant. On other transcripts: non-coding transcript variant (5).
Genome position (GRCh38, 1-based): chr9:132,902,705-132,902,718, AGCTGATTGTATCT deleted on the plus strand (AGATACAATCAGCT on the coding strand, the reverse complement: TSC1 is on the minus strand); deleting any 14 consecutive bases within chr9:132,902,705-132,902,722 gives the same sequence; the c. name uses the placement nearest the transcript's 3' end. VCF-style (leftmost placement, unchanged base first): chr9-132902704-GAGCTGATTGTATCT-G. GRCh37 (hg19) VCF-style: chr9-135778091-GAGCTGATTGTATCT-G.
Other names: c.2275_2288del, p.Arg759fs (NM_001162426.2, NM_001406597.1, NM_001406598.1 and 4 more transcripts); c.2125_2138del, p.Arg709fs (NM_001162427.2, NM_001406610.1); c.1915_1928del, p.Arg639fs (NM_001362177.2, NM_001406614.1, NM_001406615.1 and 5 more transcripts); c.2278_2291del, p.Arg760fs (NM_001406592.1, NM_001406593.1, NM_001406594.1 and 5 more transcripts); c.2263_2276del, p.Arg755fs (NM_001406601.1, NM_001406602.1); c.2260_2273del, p.Arg754fs (NM_001406603.1, NM_001406604.1); c.2122_2135del, p.Arg708fs (NM_001406611.1, NM_001406612.1, NM_001406613.1); c.1912_1925del, p.Arg638fs (NM_001406620.1, NM_001406621.1, NM_001406622.1 and 2 more transcripts); and 3 more; short protein forms R638fs, R709fs, R754fs, R409fs, R708fs, R760fs, R755fs, R759fs.
Identifiers: ClinVar variation 2920992 (VCV002920992.1), dbSNP rs2538617668, ClinGen allele CA2739264813.

ClinVar aggregate classification (germline): Pathogenic (1 of 4 stars; one submission).

Submission:

ARUP Laboratories, Molecular Genetics and Genomics, ARUP Laboratories
Classification: Pathogenic. Last evaluated: 2023-08-02. Review status: criteria provided, single submitter. Criteria: ARUP Molecular Germline Variant Investigation Process 2024. Collection method: clinical testing. Allele origin: germline.
Comment: The TSC1 c.2278_2291del; p.Arg760ProfsTer5 variant, to our knowledge, is not reported in the medical literature or gene specific databases. This variant is absent from the Genome Aggregation Database, indicating it is not a common polymorphism. This variant causes a frameshift by deleting 14 nucleotides, so it is predicted to result in a truncated protein or mRNA subject to nonsense-mediated decay. Frameshift variants and other variants that introduce premature termination codons are responsible for the majority of TSC1 associated tuberous sclerosis (Curatolo 2015). Based on available information, this variant is considered to be pathogenic. References: Curatolo P et al. Genotype/Phenotype Correlations in Tuberous Sclerosis Complex. Semin Pediatr Neurol. 2015 Dec;22(4):259-73. PMID: 26706013.